The following is an entry in ClinVar:

ClinVar aggregate classification (germline): Uncertain significance (1 of 4 stars; one submission).

Allele frequency attached by ClinVar (database versions not stated): gnomAD 0.00007; gnomAD exomes 0.00008; TOPMed 0.00009; ExAC 0.00014.
gnomAD v4.1: 133 of 1,613,116 alleles (0.0082%); highest among the groups gnomAD compares: Non-Finnish European, 0.01%; no homozygotes.

Submission:

Labcorp Genetics (formerly Invitae), Labcorp
Classification: Uncertain significance. Last evaluated: 2022-06-30. Review status: criteria provided, single submitter. Criteria: Invitae Variant Classification Sherloc (09022015). Collection method: clinical testing. Allele origin: germline.
Comment: This sequence change replaces arginine, which is basic and polar, with glutamine, which is neutral and polar, at codon 508 of the CACNA1B protein (p.Arg508Gln). This variant is present in population databases (rs200683607, gnomAD 0.02%). This variant has not been reported in the literature in individuals affected with CACNA1B-related conditions. Advanced modeling of protein sequence and biophysical properties (such as structural, functional, and spatial information, amino acid conservation, physicochemical variation, residue mobility, and thermodynamic stability) performed at Invitae indicates that this missense variant is not expected to disrupt CACNA1B protein function. In summary, the available evidence is currently insufficient to determine the role of this variant in disease. Therefore, it has been classified as a Variant of Uncertain Significance.

NM_000718.4(CACNA1B):c.1523G>A (p.Arg508Gln)

Gene: CACNA1B (calcium voltage-gated channel subunit alpha1 B; plus strand). Cytogenetic location: 9q34.3.
Variant type: single nucleotide variant.
Coding change: c.1523G>A on transcript NM_000718.4 (MANE Select); coding-DNA position 1523, G replaced by A.
Protein change: p.Arg508Gln; replaces arginine 508 with glutamine.
Molecular consequence: missense variant.
Genome position (GRCh38, 1-based): chr9:137,971,572, G>A. VCF-style: chr9-137971572-G-A. GRCh37 (hg19) VCF-style: chr9-140866024-G-A.
Other names: c.1523G>A, p.Arg508Gln (NM_001243812.2); short protein forms R508Q.
Identifiers: ClinVar variation 2196056 (VCV002196056.1), dbSNP rs200683607, ClinGen allele CA5376185.